The following is an entry in ClinVar:

NM_001323289.2(CDKL5):c.915T>C (p.Arg305=)

Gene: CDKL5 (cyclin dependent kinase like 5; plus strand). Cytogenetic location: Xp22.13.
Variant type: single nucleotide variant.
Coding change: c.915T>C on transcript NM_001323289.2 (MANE Select); coding-DNA position 915, T replaced by C.
Protein change: p.Arg305=; no amino-acid change (arginine 305 retained).
Molecular consequence: synonymous variant.
Genome position (GRCh38, 1-based): chrX:18,598,551, T>C. VCF-style: chrX-18598551-T-C. GRCh37 (hg19) VCF-style: chrX-18616671-T-C.
Other names: NM_001323289.2(CDKL5):c.915T>C; p.Arg305=; c.915T>C, p.Arg305= (NM_001037343.2, NM_003159.3).
Identifiers: ClinVar variation 1025252 (VCV001025252.10), dbSNP rs1170498240, ClinGen allele CA515470783.

ClinVar aggregate classification (germline): Benign/Likely benign. Review status: criteria provided, multiple submitters, no conflicts (2 of 4 stars). 2 submissions from 2 submitters: Benign (1); Likely benign (1). Last evaluated 2024-10-30.

Conditions:
CDKL5 disorder. Identifiers: MedGen CN296942, MONDO:0100039.
Angelman syndrome-like. Identifiers: MedGen CN128785.
Developmental and epileptic encephalopathy, 2 (DEE2). Also called: INFANTILE SPASM SYNDROME, X-LINKED 2; CDKL5 deficiency disorder. Identifiers: Orphanet 1934, Orphanet 3451, Orphanet 505652, MedGen C4750718, MONDO:0010396, OMIM 300672.

Allele frequency attached by ClinVar (database versions not stated): TOPMed below 0.00001; gnomAD 0.00001; gnomAD exomes 0.00001.
gnomAD v4.1: 3 of 1,207,948 alleles (0.00025%); highest among the groups gnomAD compares: Non-Finnish European, 0.00034%; no homozygotes.

Submissions (2):

Labcorp Genetics (formerly Invitae), Labcorp
Classification: Benign for Developmental and epileptic encephalopathy, 2; Angelman syndrome-like. Last evaluated: 2024-10-30. Review status: criteria provided, single submitter. Criteria: Invitae Variant Classification Sherloc (09022015). Collection method: clinical testing. Allele origin: germline.

Centre for Population Genomics, CPG
Classification: Likely benign for CDKL5 disorder. Last evaluated: 2024-07-12. Review status: criteria provided, single submitter. Criteria: McKnight et al. (Hum Mutat. 2022). Collection method: curation. Allele origin: germline. Inheritance: X-linked inheritance.
Comment: This variant has been collected from RettBASE and curated to current modified ACMG/AMP criteria. Based on the classification scheme defined by the ClinGen Rett/Angelman-like Expert Panel for Rett/AS-like Disorders Specifications to the ACMG/AMP Variant Interpretation Guidelines VCEP 3.0, this variant is classified as likely benign. At least the following criteria are met: The variant is observed in at least 1 individual with no features of CDKL5 disorder (BS2_Supporting). 3 individuals in gnomAD v4 with AF < 0.008% met Synonymous or intronic variant outside donor and acceptor splice regions where splicing prediction algorithms do not support significant splicing alteration (spliceAI score <=0.1) (BP4, BP7).